The following is an entry in ClinVar:

ClinVar aggregate classification (germline): Uncertain significance. Review status: criteria provided, multiple submitters, no conflicts (2 of 4 stars). 2 submissions from 2 submitters: Uncertain significance (2). Last evaluated 2023-03-30.

Submissions (2):

Labcorp Genetics (formerly Invitae), Labcorp
Classification: Uncertain significance. Last evaluated: 2023-03-30. Review status: criteria provided, single submitter. Criteria: Invitae Variant Classification Sherloc (09022015). Collection method: clinical testing. Allele origin: germline.
Comment: This variant is not present in population databases (gnomAD no frequency). This sequence change replaces glycine, which is neutral and non-polar, with aspartic acid, which is acidic and polar, at codon 266 of the BEST1 protein (p.Gly266Asp). This variant has not been reported in the literature in individuals affected with BEST1-related conditions. In summary, the available evidence is currently insufficient to determine the role of this variant in disease. Therefore, it has been classified as a Variant of Uncertain Significance. Advanced modeling of protein sequence and biophysical properties (such as structural, functional, and spatial information, amino acid conservation, physicochemical variation, residue mobility, and thermodynamic stability) performed at Invitae indicates that this missense variant is expected to disrupt BEST1 protein function. ClinVar contains an entry for this variant (Variation ID: 198506).

Eurofins Ntd Llc (ga)
Classification: Uncertain significance. Last evaluated: 2015-04-10. Review status: criteria provided, single submitter. Criteria: EGL Classification Definitions 2015. Collection method: clinical testing. Allele origin: germline. Observed: 1 variant allele, 1 heterozygote.

NM_004183.4(BEST1):c.797G>A (p.Gly266Asp)

Gene: BEST1 (bestrophin 1; plus strand). Cytogenetic location: 11q12.3.
Variant type: single nucleotide variant.
Coding change: c.797G>A on transcript NM_004183.4 (MANE Select); coding-DNA position 797, G replaced by A.
Protein change: p.Gly266Asp; replaces glycine 266 with aspartic acid.
Molecular consequence: missense variant. On other transcripts: non-coding transcript variant (1).
Genome position (GRCh38, 1-based): chr11:61,958,228, G>A. VCF-style: chr11-61958228-G-A. GRCh37 (hg19) VCF-style: chr11-61725700-G-A.
Other names: c.617G>A, p.Gly206Asp (NM_001139443.3, NM_001300786.2, NM_001300787.2); c.479G>A, p.Gly160Asp (NM_001363591.3); c.797G>A, p.Gly266Asp (NM_001363592.2); c.-379G>A (NM_001363593.3); short protein forms G266D, G160D, G206D.
Identifiers: ClinVar variation 198506 (VCV000198506.8), dbSNP rs794727864, ClinGen allele CA247179.